The following is an entry in ClinVar:

ClinVar aggregate classification (germline): Uncertain significance (1 of 4 stars; one submission).

Submission:

Ambry Genetics
Classification: Uncertain significance. Last evaluated: 2025-11-13. Review status: criteria provided, single submitter. Criteria: Ambry Variant Classification Scheme 2023. Collection method: clinical testing. Allele origin: germline.
Comment: The p.G658R variant (also known as c.1972G>C), located in coding exon 8 of the RNF43 gene, results from a G to C substitution at nucleotide position 1972. The glycine at codon 658 is replaced by arginine, an amino acid with dissimilar properties. This amino acid position is conserved. In addition, this alteration is predicted to be tolerated by in silico analysis. Based on the available evidence, the clinical significance of this variant remains unclear.

NM_017763.6(RNF43):c.1972G>C (p.Gly658Arg)

Gene: RNF43 (ring finger protein 43; minus strand). Cytogenetic location: 17q22.
Variant type: single nucleotide variant.
Coding change: c.1972G>C on transcript NM_017763.6 (MANE Select); coding-DNA position 1972, G replaced by C.
Protein change: p.Gly658Arg; replaces glycine 658 with arginine.
Molecular consequence: missense variant.
Genome position (GRCh38, 1-based): chr17:58,357,804, C>G on the plus strand (G>C on the coding strand, the complement: RNF43 is on the minus strand). VCF-style: chr17-58357804-C-G. GRCh37 (hg19) VCF-style: chr17-56435165-C-G.
Other names: c.1972G>C, p.Gly658Arg (NM_001305544.3, NM_001438820.1, NM_001438821.1 and 1 more transcripts); c.1591G>C, p.Gly531Arg (NM_001305545.2, NM_001437987.1); short protein forms G531R, G658R.
Identifiers: ClinVar variation 4578995 (VCV004578995.1).